The following is an entry in ClinVar:

NM_024577.4(SH3TC2):c.856G>A (p.Glu286Lys)

Gene: SH3TC2 (SH3 domain and tetratricopeptide repeats 2; minus strand). Cytogenetic location: 5q32.
Variant type: single nucleotide variant.
Coding change: c.856G>A on transcript NM_024577.4 (MANE Select); coding-DNA position 856, G replaced by A.
Protein change: p.Glu286Lys; replaces glutamic acid 286 with lysine.
Molecular consequence: missense variant.
Genome position (GRCh38, 1-based): chr5:149,038,440, C>T on the plus strand (G>A on the coding strand, the complement: SH3TC2 is on the minus strand). VCF-style: chr5-149038440-C-T. GRCh37 (hg19) VCF-style: chr5-148418003-C-T.
Other names: short protein forms E286K.
Identifiers: ClinVar variation 1356896 (VCV001356896.8), dbSNP rs2127400005, ClinGen allele CA361673029.

ClinVar aggregate classification (germline): Uncertain significance (1 of 4 stars; one submission).

Conditions:
Charcot-Marie-Tooth disease type 4. Also called: Charcot-Marie-Tooth disease, type IV; Charcot-Marie-Tooth, Type 4. Identifiers: Orphanet 64749, MedGen C4082197, MONDO:0018995.

Submission:

Labcorp Genetics (formerly Invitae), Labcorp
Classification: Uncertain significance for Charcot-Marie-Tooth disease type 4. Last evaluated: 2021-05-07. Review status: criteria provided, single submitter. Criteria: Invitae Variant Classification Sherloc (09022015). Collection method: clinical testing. Allele origin: germline.
Comment: In summary, the available evidence is currently insufficient to determine the role of this variant in disease. Therefore, it has been classified as a Variant of Uncertain Significance. Advanced modeling of protein sequence and biophysical properties (such as structural, functional, and spatial information, amino acid conservation, physicochemical variation, residue mobility, and thermodynamic stability) performed at Invitae indicates that this missense variant is expected to disrupt SH3TC2 protein function. This variant has not been reported in the literature in individuals with SH3TC2-related conditions. This variant is not present in population databases (ExAC no frequency). This sequence change replaces glutamic acid with lysine at codon 286 of the SH3TC2 protein (p.Glu286Lys). The glutamic acid residue is highly conserved and there is a small physicochemical difference between glutamic acid and lysine.